The following is an entry in ClinVar:

ClinVar aggregate classification (germline): Uncertain significance (1 of 4 stars; one submission).

Conditions:
RYR1-related disorder. Also called: RYR1-related condition; RYR1-related disorders. Identifiers: MedGen CN239331.

Submission:

Labcorp Genetics (formerly Invitae), Labcorp
Classification: Uncertain significance for RYR1-related disorder. Last evaluated: 2024-04-09. Review status: criteria provided, single submitter. Criteria: Invitae Variant Classification Sherloc (09022015). Collection method: clinical testing. Allele origin: germline.
Comment: This sequence change replaces valine, which is neutral and non-polar, with isoleucine, which is neutral and non-polar, at codon 2906 of the RYR1 protein (p.Val2906Ile). Information on the frequency of this variant in the gnomAD database is not available, as this variant may be reported differently in the database. This variant has not been reported in the literature in individuals affected with RYR1-related conditions. ClinVar contains an entry for this variant (Variation ID: 1395673). Experimental studies and prediction algorithms are not available or were not evaluated, and the functional significance of this variant is currently unknown. In summary, the available evidence is currently insufficient to determine the role of this variant in disease. Therefore, it has been classified as a Variant of Uncertain Significance.

NM_000540.3(RYR1):c.8715_8716delinsAA (p.Val2906Ile)

Gene: RYR1 (ryanodine receptor 1; plus strand). Cytogenetic location: 19q13.2.
Variant type: Indel.
Coding change: c.8715_8716delinsAA on transcript NM_000540.3 (MANE Select); coding-DNA positions 8715 to 8716, GG replaced by AA.
Protein change: p.Val2906Ile; replaces valine 2906 with isoleucine.
Molecular consequence: missense variant.
Genome position (GRCh38, 1-based): chr19:38,506,851-38,506,852, GG replaced by AA. VCF-style: chr19-38506851-GG-AA. GRCh37 (hg19) VCF-style: chr19-38997491-GG-AA.
Other names: c.8715_8716delinsAA, p.Val2906Ile (NM_001042723.2); short protein forms V2906I.
Identifiers: ClinVar variation 1395673 (VCV001395673.7), dbSNP rs2145638236, ClinGen allele CA2573156317.